The following is an entry in ClinVar:

NM_000388.4(CASR):c.2411C>T (p.Ala804Val)

Gene: CASR (calcium sensing receptor; plus strand). Cytogenetic location: 3q21.1.
Variant type: single nucleotide variant.
Coding change: c.2411C>T on transcript NM_000388.4 (MANE Select); coding-DNA position 2411, C replaced by T.
Protein change: p.Ala804Val; replaces alanine 804 with valine.
Molecular consequence: missense variant.
Genome position (GRCh38, 1-based): chr3:122,284,365, C>T. VCF-style: chr3-122284365-C-T. GRCh37 (hg19) VCF-style: chr3-122003212-C-T.
Other names: c.2441C>T, p.Ala814Val (NM_001178065.2); short protein forms A804V, A814V.
Identifiers: ClinVar variation 4978634 (VCV004978634.1).

ClinVar aggregate classification (germline): Uncertain significance (1 of 4 stars; one submission).

Conditions:
CASR-related disorder. Also called: CASR-related condition.

Submission:

PreventionGenetics, part of Exact Sciences
Classification: Uncertain significance for CASR-related condition. Last evaluated: 2026-07-24. Review status: criteria provided, single submitter. Criteria: ACMG Guidelines, 2015. Collection method: clinical testing. Allele origin: germline.
Comment: The CASR c.2441C>T variant is predicted to result in the amino acid substitution p.Ala814Val. To our knowledge, this variant has not been reported in the literature or in a large population database (gnomAD), indicating this variant is rare. At this time, the clinical significance of this variant is uncertain due to the absence of conclusive functional and genetic evidence.